The following is an entry in ClinVar:

NM_013328.4(PYCR2):c.397A>C (p.Thr133Pro)

Gene: PYCR2 (pyrroline-5-carboxylate reductase 2; minus strand). Cytogenetic location: 1q42.12.
Variant type: single nucleotide variant.
Coding change: c.397A>C on transcript NM_013328.4 (MANE Select); coding-DNA position 397, A replaced by C.
Protein change: p.Thr133Pro; replaces threonine 133 with proline.
Molecular consequence: missense variant. On other transcripts: intron variant (1).
Genome position (GRCh38, 1-based): chr1:225,922,001, T>G on the plus strand (A>C on the coding strand, the complement: PYCR2 is on the minus strand). VCF-style: chr1-225922001-T-G. GRCh37 (hg19) VCF-style: chr1-226109701-T-G.
Other names: c.318+203A>C (NM_001271681.2); short protein forms T133P.
Identifiers: ClinVar variation 1389219 (VCV001389219.8), dbSNP rs773375044, ClinGen allele CA345006164.
Genomic context (GRCh38, chr1:225,922,001, plus strand): 5'-TGAGCTGCTCCAGGAGCTGCCCATCCTCCACCAGGGCATGGGTGCCCGTGGCGTACACTG[T>G]AGCGCCTTCCTGCACTACCACAGGTGTGTTGGTCATGCAGCGAATCACTTTGGGGGCTGG-3'
Protein context (NP_037460.2, residues 123-143): NTPVVVQEGA[Thr133Pro]VYATGTHALV

ClinVar aggregate classification (germline): Uncertain significance (1 of 4 stars; one submission).

Allele frequency attached by ClinVar (database versions not stated): gnomAD 0.00001.

Submission:

Labcorp Genetics (formerly Invitae), Labcorp
Classification: Uncertain significance. Last evaluated: 2022-10-17. Review status: criteria provided, single submitter. Criteria: Invitae Variant Classification Sherloc (09022015). Collection method: clinical testing. Allele origin: germline.
Comment: This variant has not been reported in the literature in individuals affected with PYCR2-related conditions. This variant is not present in population databases (gnomAD no frequency). This sequence change replaces threonine, which is neutral and polar, with proline, which is neutral and non-polar, at codon 133 of the PYCR2 protein (p.Thr133Pro). In summary, the available evidence is currently insufficient to determine the role of this variant in disease. Therefore, it has been classified as a Variant of Uncertain Significance. Advanced modeling of protein sequence and biophysical properties (such as structural, functional, and spatial information, amino acid conservation, physicochemical variation, residue mobility, and thermodynamic stability) performed at Invitae indicates that this missense variant is expected to disrupt PYCR2 protein function. ClinVar contains an entry for this variant (Variation ID: 1389219).